The following is an entry in ClinVar:

ClinVar aggregate classification (germline): Pathogenic (1 of 4 stars; one submission).

Conditions:
Lynch syndrome 4 (LYNCH4). Also called: Hereditary non-polyposis colorectal cancer, type 4; Colorectal cancer, hereditary nonpolyposis, type 4. Identifiers: Orphanet 144, MedGen C1838333, MONDO:0013699, OMIM 614337. Disease mechanism: loss of function.

Submission:

Myriad Genetics, Inc.
Classification: Pathogenic for Lynch syndrome 4. Last evaluated: 2023-09-18. Review status: criteria provided, single submitter. Criteria: Myriad Autosomal Dominant, Autosomal Recessive and X-Linked Classification Criteria (2023). Collection method: clinical testing. Allele origin: unknown.
Comment: This variant is considered pathogenic. This variant creates a termination codon and is predicted to result in premature protein truncation.

NM_000535.7(PMS2):c.447C>G (p.Tyr149Ter)

Gene: PMS2 (PMS1 homolog 2, mismatch repair system component; minus strand). Cytogenetic location: 7p22.1.
Variant type: single nucleotide variant.
Coding change: c.447C>G on transcript NM_000535.7 (MANE Select); coding-DNA position 447, C replaced by G.
Protein change: p.Tyr149Ter; replaces tyrosine 149 with a stop codon.
Molecular consequence: nonsense. On other transcripts: 5 prime UTR variant (2), non-coding transcript variant (1), intron variant (1).
Genome position (GRCh38, 1-based): chr7:6,002,543, G>C on the plus strand (C>G on the coding strand, the complement: PMS2 is on the minus strand). VCF-style: chr7-6002543-G-C. GRCh37 (hg19) VCF-style: chr7-6042174-G-C.
Other names: c.42C>G, p.Tyr14Ter (NM_001018040.1, NM_001322003.2, NM_001322004.2 and 25 more transcripts); c.447C>G, p.Tyr149Ter (NM_001322006.2, NM_001322014.2, NM_001406869.1 and 8 more transcripts); c.129C>G, p.Tyr43Ter (NM_001322007.2, NM_001322008.2, NM_001406876.1 and 4 more transcripts); c.-438C>G (NM_001322011.2, NM_001322012.2); c.138C>G, p.Tyr46Ter (NM_001322015.2, NM_001406875.1, NM_001406877.1 and 6 more transcripts); c.633C>G, p.Tyr211Ter (NM_001406866.1); c.471C>G, p.Tyr157Ter (NM_001406868.1); c.250+1429C>G (NM_001406885.1); short protein forms Y14*, Y149*, Y157*, Y211*, Y43*, Y46*.
Identifiers: ClinVar variation 2674237 (VCV002674237.1), dbSNP rs1224505288, ClinGen allele CA366744328.